The following is an entry in ClinVar:

NM_022114.4(PRDM16):c.2971T>G (p.Ser991Ala)

Gene: PRDM16 (PR/SET domain 16; plus strand). Cytogenetic location: 1p36.32.
Variant type: single nucleotide variant.
Coding change: c.2971T>G on transcript NM_022114.4 (MANE Select); coding-DNA position 2971, T replaced by G.
Protein change: p.Ser991Ala; replaces serine 991 with alanine.
Molecular consequence: missense variant.
Genome position (GRCh38, 1-based): chr1:3,425,612, T>G. VCF-style: chr1-3425612-T-G. GRCh37 (hg19) VCF-style: chr1-3342176-T-G.
Other names: c.2971T>G, p.Ser991Ala (NM_199454.3); short protein forms S991A.
Identifiers: ClinVar variation 4776513 (VCV004776513.1).

ClinVar aggregate classification (germline): Uncertain significance (1 of 4 stars; one submission).

Conditions:
Left ventricular noncompaction 8 (LVNC8). Identifiers: Orphanet 154, Orphanet 54260, MedGen C3809288, MONDO:0014152, OMIM 615373.

Submission:

Labcorp Genetics (formerly Invitae), Labcorp
Classification: Uncertain significance for Left ventricular noncompaction 8. Last evaluated: 2025-06-27. Review status: criteria provided, single submitter. Criteria: Invitae Variant Classification Sherloc (09022015). Collection method: clinical testing. Allele origin: germline.
Comment: This sequence change replaces serine, which is neutral and polar, with alanine, which is neutral and non-polar, at codon 991 of the PRDM16 protein (p.Ser991Ala). This variant is not present in population databases (gnomAD no frequency). This variant has not been reported in the literature in individuals affected with PRDM16-related conditions. An algorithm developed to predict the effect of missense changes on protein structure and function (PolyPhen-2) suggests that this variant is likely to be disruptive. In summary, the available evidence is currently insufficient to determine the role of this variant in disease. Therefore, it has been classified as a Variant of Uncertain Significance.